The following is an entry in ClinVar:

ClinVar aggregate classification (germline): Uncertain significance (1 of 4 stars; one submission).

Submission:

GeneDx
Classification: Uncertain significance. Last evaluated: 2024-06-16. Review status: criteria provided, single submitter. Criteria: GeneDx Variant Classification Process June 2021. Collection method: clinical testing. Allele origin: germline. Affected: yes.
Comment: Not observed at significant frequency in large population cohorts (gnomAD); In silico analysis supports that this missense variant has a deleterious effect on protein structure/function; Has not been previously published as pathogenic or benign to our knowledge

NM_001148.6(ANK2):c.11489A>G (p.Glu3830Gly)

Gene: ANK2 (ankyrin 2; plus strand). Cytogenetic location: 4q26.
Variant type: single nucleotide variant.
Coding change: c.11489A>G on transcript NM_001148.6 (MANE Select); coding-DNA position 11489, A replaced by G.
Protein change: p.Glu3830Gly; replaces glutamic acid 3830 with glycine.
Molecular consequence: missense variant.
Genome position (GRCh38, 1-based): chr4:113,369,684, A>G. VCF-style: chr4-113369684-A-G. GRCh37 (hg19) VCF-style: chr4-114290840-A-G.
Other names: c.5207A>G, p.Glu1736Gly (NM_001127493.3); c.5246A>G, p.Glu1749Gly (NM_001354225.2); c.5135A>G, p.Glu1712Gly (NM_001354228.2, NM_001354258.2); c.5213A>G, p.Glu1738Gly (NM_001354230.2); c.5276A>G, p.Glu1759Gly (NM_001354231.2, NM_001354242.2); c.5270A>G, p.Glu1757Gly (NM_001354232.2); c.5231A>G, p.Glu1744Gly (NM_001354235.2, NM_001354246.2, NM_001354265.2); c.5132A>G, p.Glu1711Gly (NM_001354236.2); and 35 more; short protein forms E1584G, E1617G, E1645G, E1650G, E1658G, E1667G, E1670G, E1672G.
Identifiers: ClinVar variation 3390802 (VCV003390802.1).